The following is an entry in ClinVar:

ClinVar aggregate classification (germline): Uncertain significance (1 of 4 stars; one submission).

Conditions:
Hereditary cancer-predisposing syndrome. Also called: Neoplastic Syndromes, Hereditary; Tumor predisposition; Hereditary Cancer Syndrome; Hereditary neoplastic syndrome. Identifiers: Orphanet 140162, MedGen C0027672, MeSH D009386, MONDO:0015356.

Submission:

Ambry Genetics
Classification: Uncertain significance for Hereditary cancer-predisposing syndrome. Last evaluated: 2026-02-25. Review status: criteria provided, single submitter. Criteria: Ambry Variant Classification Scheme 2023. Collection method: clinical testing. Allele origin: germline.
Comment: The p.K729R variant (also known as c.2186A>G), located in coding exon 20 of the POLE gene, results from an A to G substitution at nucleotide position 2186. The lysine at codon 729 is replaced by arginine, an amino acid with highly similar properties. This amino acid position is conserved. In addition, this alteration is predicted to be tolerated by in silico analysis. Based on the available evidence, the clinical significance of this variant remains unclear.

NM_006231.4(POLE):c.2186A>G (p.Lys729Arg)

Gene: POLE (DNA polymerase epsilon, catalytic subunit; minus strand). Cytogenetic location: 12q24.33.
Variant type: single nucleotide variant.
Coding change: c.2186A>G on transcript NM_006231.4 (MANE Select); coding-DNA position 2186, A replaced by G.
Protein change: p.Lys729Arg; replaces lysine 729 with arginine.
Molecular consequence: missense variant.
Genome position (GRCh38, 1-based): chr12:132,667,636, T>C on the plus strand (A>G on the coding strand, the complement: POLE is on the minus strand). VCF-style: chr12-132667636-T-C. GRCh37 (hg19) VCF-style: chr12-133244222-T-C.
Other names: short protein forms K729R.
Identifiers: ClinVar variation 4825819 (VCV004825819.1).
Genomic context (GRCh38, chr12:132,667,636, plus strand): 5'-CGCTGGCAGATGGTGGTGAGACGCTCTTCCACCTTGGTGATGTGGATCTTCTTGTAGGCT[T>C]TCCGGCAGTAATCTAAGCACGACGGAGATGGGCAGAGCAGGTGGGTGAGATCTCCCAGAG-3'
Protein context (NP_006222.2, residues 719-739): EKRRLADYCR[Lys729Arg]AYKKIHITKV